The following is an entry in ClinVar:

ClinVar aggregate classification (germline): Likely benign (1 of 4 stars; one submission).

Allele frequency attached by ClinVar (database versions not stated): 1000 Genomes Project 0.00359; 1000 Genomes Project 30x 0.00437; ESP Exome Variant Server 0.00545; TOPMed 0.00572; gnomAD 0.00604; gnomAD exomes 0.00607; ExAC 0.00652.
gnomAD v4.1: 9,778 of 1,603,186 alleles (0.61%); highest among the groups gnomAD compares: South Asian, 0.77%; 51 homozygotes.

Submission:

CeGaT Center for Human Genetics Tuebingen
Classification: Likely benign. Last evaluated: 2026-07-01. Review status: criteria provided, single submitter. Criteria: CeGaT Center For Human Genetics Tuebingen Variant Classification Criteria Version 2. Collection method: clinical testing. Allele origin: germline. Affected: yes. Observed: 12 variant alleles.
Comment: HLA-DPB1: BP4, BP7, BS2

NM_002121.6(HLA-DPB1):c.636C>T (p.Thr212=)

Gene: HLA-DPB1 (major histocompatibility complex, class II, DP beta 1; plus strand). Cytogenetic location: 6p21.32.
Variant type: single nucleotide variant.
Coding change: c.636C>T on transcript NM_002121.6 (MANE Select); coding-DNA position 636, C replaced by T.
Protein change: p.Thr212=; no amino-acid change (threonine 212 retained).
Molecular consequence: synonymous variant.
Genome position (GRCh38, 1-based): chr6:33,085,221, C>T. VCF-style: chr6-33085221-C-T. GRCh37 (hg19) VCF-style: chr6-33052998-C-T.
Identifiers: ClinVar variation 2656482 (VCV002656482.24), dbSNP rs41559424, ClinGen allele CA3749705.